The following is an entry in ClinVar:

ClinVar aggregate classification (germline): Uncertain significance (1 of 4 stars; one submission).

Submission:

Labcorp Genetics (formerly Invitae), Labcorp
Classification: Uncertain significance. Last evaluated: 2023-08-18. Review status: criteria provided, single submitter. Criteria: Invitae Variant Classification Sherloc (09022015). Collection method: clinical testing. Allele origin: germline.
Comment: In summary, the available evidence is currently insufficient to determine the role of this variant in disease. Therefore, it has been classified as a Variant of Uncertain Significance. Advanced modeling of protein sequence and biophysical properties (such as structural, functional, and spatial information, amino acid conservation, physicochemical variation, residue mobility, and thermodynamic stability) performed at Invitae indicates that this missense variant is not expected to disrupt NEDD4L protein function. This variant has not been reported in the literature in individuals affected with NEDD4L-related conditions. This variant is not present in population databases (gnomAD no frequency). This sequence change replaces arginine, which is basic and polar, with glycine, which is neutral and non-polar, at codon 124 of the NEDD4L protein (p.Arg124Gly).

NM_001144967.3(NEDD4L):c.370C>G (p.Arg124Gly)

Gene: NEDD4L (NEDD4 like E3 ubiquitin protein ligase; plus strand). Cytogenetic location: 18q21.31.
Variant type: single nucleotide variant.
Coding change: c.370C>G on transcript NM_001144967.3 (MANE Select); coding-DNA position 370, C replaced by G.
Protein change: p.Arg124Gly; replaces arginine 124 with glycine.
Molecular consequence: missense variant.
Genome position (GRCh38, 1-based): chr18:58,322,446, C>G. VCF-style: chr18-58322446-C-G. GRCh37 (hg19) VCF-style: chr18-55989678-C-G.
Other names: c.7C>G, p.Arg3Gly (NM_001144964.1, NM_001144965.2, NM_001144966.3 and 2 more transcripts); c.346C>G, p.Arg116Gly (NM_001144968.2, NM_001144969.2); c.370C>G, p.Arg124Gly (NM_001243960.2, NM_015277.6); short protein forms R3G, R116G, R124G.
Identifiers: ClinVar variation 2861866 (VCV002861866.3), dbSNP rs1471095573, ClinGen allele CA402551231.
Genomic context (GRCh38, chr18:58,322,446, plus strand): 5'-AGGAATATTAAAATTTAATTTACTGTTTTTTCCCCACAGACAGAAGATCCAACCATGGAG[C>G]GACCCTATACATTTAAGGACTTTCTCCTCAGACCAAGAAGGTGAGGCTTGTGGGTATGGG-3'
Protein context (NP_001138439.1, residues 114-134): HLPTEDPTME[Arg124Gly]PYTFKDFLLR